The following is an entry in ClinVar:

ClinVar aggregate classification (germline): Uncertain significance (1 of 4 stars; one submission).

Allele frequency attached by ClinVar (database versions not stated): gnomAD 0.00001; gnomAD exomes 0.00001; ExAC 0.00004; 1000 Genomes Project 0.00020; 1000 Genomes Project 30x 0.00031.
gnomAD v4.1: 16 of 1,614,202 alleles (0.00099%); highest among the groups gnomAD compares: South Asian, 0.016%; no homozygotes.

Submission:

Ambry Genetics
Classification: Uncertain significance. Last evaluated: 2025-02-27. Review status: criteria provided, single submitter. Criteria: Ambry Variant Classification Scheme 2023. Collection method: clinical testing. Allele origin: germline.
Comment: The p.R861G variant (also known as c.2581A>G), located in coding exon 17 of the CTNNA3 gene, results from an A to G substitution at nucleotide position 2581. The arginine at codon 861 is replaced by glycine, an amino acid with dissimilar properties. This amino acid position is conserved. In addition, this alteration is predicted to be tolerated by in silico analysis. Since supporting evidence is limited at this time, the clinical significance of this alteration remains unclear.

NM_013266.4(CTNNA3):c.2581A>G (p.Arg861Gly)

Gene: CTNNA3 (catenin alpha 3; minus strand). Cytogenetic location: 10q21.3.
Variant type: single nucleotide variant.
Coding change: c.2581A>G on transcript NM_013266.4 (MANE Select); coding-DNA position 2581, A replaced by G.
Protein change: p.Arg861Gly; replaces arginine 861 with glycine.
Molecular consequence: missense variant.
Genome position (GRCh38, 1-based): chr10:65,920,437, T>C on the plus strand (A>G on the coding strand, the complement: CTNNA3 is on the minus strand). VCF-style: chr10-65920437-T-C. GRCh37 (hg19) VCF-style: chr10-67680195-T-C.
Other names: c.2581A>G, p.Arg861Gly (NM_001127384.3); short protein forms R861G.
Identifiers: ClinVar variation 1793379 (VCV001793379.4), dbSNP rs544334804, ClinGen allele CA5519546.